The following is an entry in ClinVar:

ClinVar aggregate classification (germline): Benign. Review status: criteria provided, multiple submitters, no conflicts (2 of 4 stars). 14 submissions from 14 submitters: Benign (12). 2 of the submissions do not count toward it. Last evaluated 2026-02-04.

Conditions:
Hereditary spastic paraplegia 35. Also called: SPASTIC PARAPLEGIA 35, AUTOSOMAL RECESSIVE, WITH OR WITHOUT NEURODEGENERATION; LEUKODYSTROPHY, DYSMYELINATING, AND SPASTIC PARAPARESIS WITH OR WITHOUT DYSTONIA; Spastic paraplegia 35, autosomal recessive; Spastic paraplegia 35. Identifiers: Orphanet 171629, MedGen C3496228, MONDO:0012866, OMIM 612319.
Hereditary spastic paraplegia. Also called: Familial spastic paraparesis. Identifiers: Orphanet 685, MedGen C0037773, MONDO:0019064. Disease mechanism: loss of function.
Spastic paraplegia. Identifiers: MedGen C0037772, HP:0001258.

Allele frequency attached by ClinVar (database versions not stated): 1000 Genomes Project 0.24900; 1000 Genomes Project 30x 0.25016; gnomAD exomes 0.27628 and 0.30268; ESP Exome Variant Server 0.32130; gnomAD 0.32321 and 0.33281; TOPMed 0.32731; ExAC 0.35870.
gnomAD v4.1: 470,429 of 1,544,230 alleles (30%); highest among the groups gnomAD compares: African/African-American, 44%; 75,258 homozygotes.

Submissions (15):

Labcorp Genetics (formerly Invitae), Labcorp
Classification: Benign for Spastic paraplegia. Last evaluated: 2026-02-04. Review status: criteria provided, single submitter. Criteria: Invitae Variant Classification Sherloc (09022015). Collection method: clinical testing. Allele origin: germline.

Blueprint Genetics
Classification: Benign. Last evaluated: 2024-11-27. Review status: criteria provided, single submitter. Criteria: ACMG Guidelines, 2015. Collection method: clinical testing. Allele origin: germline.

Unidad de Genómica Garrahan, Hospital de Pediatría Garrahan
Classification: Benign. Last evaluated: 2024-07-31. Review status: criteria provided, single submitter. Criteria: ACMG Guidelines, 2015. Collection method: clinical testing. Allele origin: germline. Affected: no. Observed: 34 variant alleles.
Comment: This variant is classified as Benign based on local population frequency. This variant was detected in 37% of patients studied in a panel designed for Epileptic and Developmental Encephalopathy, Progressive Myoclonus Epilepsy and Abnormal Movements and Neurodegeneration with brain iron accumulation. Number of patients: 34. Only high quality variants are reported.

Genome-Nilou Lab
Classification: Benign for Hereditary spastic paraplegia 35. Last evaluated: 2021-08-10. Review status: criteria provided, single submitter. Criteria: ACMG Guidelines, 2015. Collection method: clinical testing. Allele origin: germline. Affected: no.

Illumina Laboratory Services, Illumina
Classification: Benign for Hereditary spastic paraplegia 35. Last evaluated: 2018-01-12. Review status: criteria provided, single submitter. Criteria: ICSL Variant Classification Criteria 13 December 2019. Collection method: clinical testing. Allele origin: germline.
Comment: This variant was observed in the ICSL laboratory as part of a predisposition screen in an ostensibly healthy population. It had not been previously curated by ICSL or reported in the Human Gene Mutation Database (HGMD: prior to June 1st, 2018), and was therefore a candidate for classification through an automated scoring system. Utilizing variant allele frequency, disease prevalence and penetrance estimates, and inheritance mode, an automated score was calculated to assess if this variant is too frequent to cause the disease. Based on the score and internal cut-off values, a variant classified as benign is not then subjected to further curation. The score for this variant resulted in a classification of benign for this disease.

Eurofins Ntd Llc (ga)
Classification: Benign. Last evaluated: 2017-09-14. Review status: criteria provided, single submitter. Criteria: EGL Classification Definitions 2015. Collection method: clinical testing. Allele origin: germline. Observed: 20 variant alleles, 18 heterozygotes, 2 homozygotes.

Mayo Clinic Laboratories, Mayo Clinic
Classification: Benign. Last evaluated: 2017-07-19. Review status: criteria provided, single submitter. Criteria: ACMG Guidelines, 2015. Collection method: clinical testing. Allele origin: germline. Observed: 1,081 variant alleles.

Genome Diagnostics Laboratory, The Hospital for Sick Children
Classification: Benign for Hereditary spastic paraplegia. Last evaluated: 2016-12-12. Review status: criteria provided, single submitter. Criteria: ACMG Guidelines, 2015. Collection method: clinical testing. Allele origin: germline. Affected: yes.

GeneDx
Classification: Benign. Last evaluated: 2016-01-22. Review status: criteria provided, single submitter. Criteria: GeneDx Variant Classification (06012015). Collection method: clinical testing. Allele origin: germline. Affected: yes.
Comment: This variant is considered likely benign or benign based on one or more of the following criteria: it is a conservative change, it occurs at a poorly conserved position in the protein, it is predicted to be benign by multiple in silico algorithms, and/or has population frequency not consistent with disease.

Clinical Genetics DNA and cytogenetics Diagnostics Lab, Erasmus MC, Erasmus Medical Center
Classification: Benign for Hereditary spastic paraplegia 35. Last evaluated: 2015-09-21. Review status: criteria provided, single submitter. Criteria: ACGS Guidelines, 2013. Collection method: clinical testing. Allele origin: germline. Affected: yes. Study: VKGL Data-share Consensus.

Genetic Services Laboratory, University of Chicago
Classification: Benign for AllHighlyPenetrant. Last evaluated: 2013-08-15. Review status: criteria provided, single submitter. Criteria: ACMG Guidelines, 2007. Collection method: clinical testing. Allele origin: germline. Inheritance: Autosomal recessive inheritance.

Breakthrough Genomics
Classification: Benign. Review status: criteria provided, single submitter. Criteria: ACMG Guidelines, 2015. Collection method: not provided. Allele origin: germline. Inheritance: Autosomal recessive inheritance. Affected: yes.

Genome Diagnostics Laboratory, Amsterdam University Medical Center
Classification: Benign for Hereditary spastic paraplegia 35. Last evaluated: 2015-09-21. Review status: no assertion criteria provided. Criteria: ACGS Guidelines, 2013. Collection method: clinical testing. Allele origin: germline. Affected: yes. Study: VKGL Data-share Consensus. Not counted in ClinVar's aggregate classification.

Dr. Peter K. Rogan Lab, Western University
No classification provided (evidence only). Condition: Familial cancer of breast. Review status: no classification provided. Collection method: in vitro. Allele origin: not applicable. Functional consequence: retained intron. Not counted in ClinVar's aggregate classification.

Joint Genome Diagnostic Labs from Nijmegen and Maastricht, Radboudumc and MUMC+
Classification: Benign. Review status: no assertion criteria provided. Collection method: clinical testing. Allele origin: germline. Affected: yes. Study: VKGL Data-share Consensus. Not counted in ClinVar's aggregate classification.

NM_024306.5(FA2H):c.229C>T (p.Leu77=)

Gene: FA2H (fatty acid 2-hydroxylase; minus strand). Cytogenetic location: 16q23.1.
Variant type: single nucleotide variant.
Coding change: c.229C>T on transcript NM_024306.5 (MANE Select); coding-DNA position 229, C replaced by T.
Protein change: p.Leu77=; no amino-acid change (leucine 77 retained).
Molecular consequence: synonymous variant.
Genome position (GRCh38, 1-based): chr16:74,774,527, G>A on the plus strand (C>T on the coding strand, the complement: FA2H is on the minus strand). VCF-style: chr16-74774527-G-A. GRCh37 (hg19) VCF-style: chr16-74808425-G-A.
Other names: p.Leu77=.
Identifiers: ClinVar variation 129028 (VCV000129028.34), dbSNP rs929881, ClinGen allele CA152807.
Genomic context (GRCh38, chr16:74,774,527, plus strand): 5'-GGCCCCGGCCCGGCTGTACCTGCTGCTCCCCGCGGAGCTCTCCCACGTAGTACTGCTCCA[G>A]CCAGCGGCGCGCGTTGGCCGAGTGCCTGTGCGGCGGCCCGTCCAGGTCGGCGCTGATGTC-3'
Protein context (NP_077282.3, residues 67-87): HRHSANARRW[Leu77=]EQYYVGELRG